The following is an entry in ClinVar:

NM_000393.5(COL5A2):c.2770-20T>G

Gene: COL5A2 (collagen type V alpha 2 chain; minus strand). Cytogenetic location: 2q32.2.
Variant type: single nucleotide variant.
Coding change: c.2770-20T>G on transcript NM_000393.5 (MANE Select); 20 bases into the intron before coding-DNA position 2770, T replaced by G.
Molecular consequence: intron variant.
Genome position (GRCh38, 1-based): chr2:189,051,501, A>C on the plus strand (T>G on the coding strand, the complement: COL5A2 is on the minus strand). VCF-style: chr2-189051501-A-C. GRCh37 (hg19) VCF-style: chr2-189916227-A-C.
Identifiers: ClinVar variation 513338 (VCV000513338.1), dbSNP rs1553514295, ClinGen allele CA658796132.

ClinVar aggregate classification (germline): Likely benign (1 of 4 stars; one submission).

Submission:

GeneDx
Classification: Likely benign. Last evaluated: 2017-11-10. Review status: criteria provided, single submitter. Criteria: GeneDx Variant Classification (06012015). Collection method: clinical testing. Allele origin: germline. Affected: yes.
Comment: This variant is considered likely benign or benign based on one or more of the following criteria: it is a conservative change, it occurs at a poorly conserved position in the protein, it is predicted to be benign by multiple in silico algorithms, and/or has population frequency not consistent with disease.